The following is an entry in ClinVar:

NM_004247.4(EFTUD2):c.121G>A (p.Asp41Asn)

Gene: EFTUD2 (elongation factor Tu GTP binding domain containing 2; minus strand). Cytogenetic location: 17q21.31.
Variant type: single nucleotide variant.
Coding change: c.121G>A on transcript NM_004247.4 (MANE Select); coding-DNA position 121, G replaced by A.
Protein change: p.Asp41Asn; replaces aspartic acid 41 with asparagine.
Molecular consequence: missense variant.
Genome position (GRCh38, 1-based): chr17:44,886,735, C>T on the plus strand (G>A on the coding strand, the complement: EFTUD2 is on the minus strand). VCF-style: chr17-44886735-C-T. GRCh37 (hg19) VCF-style: chr17-42964103-C-T.
Other names: c.16G>A, p.Asp6Asn (NM_001142605.2); c.121G>A, p.Asp41Asn (NM_001258353.2, NM_001258354.2); short protein forms D41N, D6N.
Identifiers: ClinVar variation 2140191 (VCV002140191.3), dbSNP rs781005961, ClinGen allele CA8608198.

ClinVar aggregate classification (germline): Uncertain significance (1 of 4 stars; one submission).

Allele frequency attached by ClinVar (database versions not stated): gnomAD 0.00002; TOPMed 0.00002.

Submission:

Labcorp Genetics (formerly Invitae), Labcorp
Classification: Uncertain significance. Last evaluated: 2025-12-04. Review status: criteria provided, single submitter. Criteria: Invitae Variant Classification Sherloc (09022015). Collection method: clinical testing. Allele origin: germline.
Comment: This sequence change replaces aspartic acid, which is acidic and polar, with asparagine, which is neutral and polar, at codon 41 of the EFTUD2 protein (p.Asp41Asn). This variant is present in population databases (rs781005961, gnomAD 0.007%). This variant has not been reported in the literature in individuals affected with EFTUD2-related conditions. ClinVar contains an entry for this variant (Variation ID: 2140191). An algorithm developed to predict the effect of missense changes on protein structure and function (PolyPhen-2) suggests that this variant is likely to be tolerated. In summary, the available evidence is currently insufficient to determine the role of this variant in disease. Therefore, it has been classified as a Variant of Uncertain Significance.